The following is an entry in ClinVar:

NM_001256317.3(TMPRSS3):c.1344+1G>T

Gene: TMPRSS3 (transmembrane serine protease 3; minus strand). Cytogenetic location: 21q22.3.
Variant type: single nucleotide variant.
Coding change: c.1344+1G>T on transcript NM_001256317.3 (MANE Select); the canonical splice donor site of the intron after coding-DNA position 1344, G replaced by T.
Molecular consequence: splice donor variant.
Genome position (GRCh38, 1-based): chr21:42,375,715, C>A on the plus strand (G>T on the coding strand, the complement: TMPRSS3 is on the minus strand). VCF-style: chr21-42375715-C-A. GRCh37 (hg19) VCF-style: chr21-43795824-C-A.
Other names: c.1347+1G>T (NM_024022.4); c.966+1G>T (NM_032404.3).
Identifiers: ClinVar variation 4992882 (VCV004992882.1).

ClinVar aggregate classification (germline): Uncertain significance (1 of 4 stars; one submission).

Conditions:
TMPRSS3-related disorder. Also called: TMPRSS3-related condition.

gnomAD v4.1: 7 of 1,613,658 alleles (0.00043%); highest among the groups gnomAD compares: Admixed American, 0.012%; no homozygotes.

Submission:

PreventionGenetics, part of Exact Sciences
Classification: Uncertain significance for TMPRSS3-related condition. Last evaluated: 2025-12-09. Review status: criteria provided, single submitter. Criteria: ACMG Guidelines, 2015. Collection method: clinical testing. Allele origin: germline.
Comment: The TMPRSS3 c.1347+1G>T variant is predicted to disrupt the GT donor site and interfere with normal splicing. To our knowledge, this variant has not been reported in the literature. This variant is reported in 0.014% of alleles in individuals of Latino descent in gnomAD. This variant is located at the penultimate exon splice donor site, and no truncating variants have been reported as pathogenic downstream of this position. Although we suspect that this variant may be pathogenic, at this time, the clinical significance of this variant is uncertain due to the absence of conclusive functional and genetic evidence.